The following is an entry in ClinVar:

ClinVar aggregate classification (germline): Uncertain significance (1 of 4 stars; one submission).

gnomAD v4.1: 1 of 1,614,086 alleles (0.000062%); highest among the groups gnomAD compares: Non-Finnish European, 0.000085%; no homozygotes.

Submission:

Labcorp Genetics (formerly Invitae), Labcorp
Classification: Uncertain significance. Last evaluated: 2024-05-14. Review status: criteria provided, single submitter. Criteria: Invitae Variant Classification Sherloc (09022015). Collection method: clinical testing. Allele origin: germline.
Comment: This sequence change replaces valine, which is neutral and non-polar, with methionine, which is neutral and non-polar, at codon 37 of the FAR1 protein (p.Val37Met). This variant is not present in population databases (gnomAD no frequency). This variant has not been reported in the literature in individuals affected with FAR1-related conditions. Advanced modeling of protein sequence and biophysical properties (such as structural, functional, and spatial information, amino acid conservation, physicochemical variation, residue mobility, and thermodynamic stability) performed at Invitae indicates that this missense variant is not expected to disrupt FAR1 protein function with a negative predictive value of 80%. In summary, the available evidence is currently insufficient to determine the role of this variant in disease. Therefore, it has been classified as a Variant of Uncertain Significance.

NM_032228.6(FAR1):c.109G>A (p.Val37Met)

Gene: FAR1 (fatty acyl-CoA reductase 1; plus strand). Cytogenetic location: 11p15.3.
Variant type: single nucleotide variant.
Coding change: c.109G>A on transcript NM_032228.6 (MANE Select); coding-DNA position 109, G replaced by A.
Protein change: p.Val37Met; replaces valine 37 with methionine.
Molecular consequence: missense variant.
Genome position (GRCh38, 1-based): chr11:13,694,874, G>A. VCF-style: chr11-13694874-G-A. GRCh37 (hg19) VCF-style: chr11-13716421-G-A.
Other names: short protein forms V37M.
Identifiers: ClinVar variation 3621974 (VCV003621974.2).